The following is an entry in ClinVar:

ClinVar aggregate classification (germline): Uncertain significance (1 of 4 stars; one submission).

Conditions:
Von Hippel-Lindau syndrome (VHLS). Also called: von Hippel–Lindau syndrome; VHL syndrome; Von Hippel-Lindau. Identifiers: Orphanet 892, MedGen C0019562, MONDO:0008667, OMIM 193300. Disease mechanism: loss of function.

Submission:

Color Diagnostics, LLC DBA Color Health
Classification: Uncertain significance for Von Hippel-Lindau syndrome. Last evaluated: 2024-02-16. Review status: criteria provided, single submitter. Criteria: ACMG Guidelines, 2015. Collection method: clinical testing. Allele origin: germline.
Comment: This variant is located in the 5' untranslated region of the VHL gene. To our knowledge, functional studies have not been reported for this variant. This variant has not been reported in individuals affected with VHL-related disorders in the literature. This variant has been identified in 1/31312 chromosomes in the general population by the Genome Aggregation Database (gnomAD). The available evidence is insufficient to determine the role of this variant in disease conclusively. Therefore, this variant is classified as a Variant of Uncertain Significance.

NM_000551.4(VHL):c.-66C>G

Gene: VHL (von Hippel-Lindau tumor suppressor; plus strand). Cytogenetic location: 3p25.3.
Variant type: single nucleotide variant.
Coding change: c.-66C>G on transcript NM_000551.4 (MANE Select); 66 bases upstream of the start codon, C replaced by G.
Molecular consequence: 5 prime UTR variant. On other transcripts: non-coding transcript variant (1).
Genome position (GRCh38, 1-based): chr3:10,141,782, C>G. VCF-style: chr3-10141782-C-G. GRCh37 (hg19) VCF-style: chr3-10183466-C-G.
Other names: c.-66C>G (NM_001354723.2, NM_198156.3).
Identifiers: ClinVar variation 4758632 (VCV004758632.1).